The following is an entry in ClinVar:

ClinVar aggregate classification (germline): Uncertain significance (1 of 4 stars; one submission).

Allele frequency attached by ClinVar (database versions not stated): gnomAD exomes below 0.00001.
gnomAD v4.1: 1 of 1,613,978 alleles (0.000062%); highest among the groups gnomAD compares: African/African-American, 0.0013%; no homozygotes.

Submission:

Labcorp Genetics (formerly Invitae), Labcorp
Classification: Uncertain significance. Last evaluated: 2023-08-17. Review status: criteria provided, single submitter. Criteria: Invitae Variant Classification Sherloc (09022015). Collection method: clinical testing. Allele origin: germline.
Comment: Variants that disrupt the consensus splice site are a relatively common cause of aberrant splicing (PMID: 17576681, 9536098). Algorithms developed to predict the effect of sequence changes on RNA splicing suggest that this variant may disrupt the consensus splice site. This variant has not been reported in the literature in individuals affected with HPS1-related conditions. This variant is not present in population databases (gnomAD no frequency). This sequence change falls in intron 16 of the HPS1 gene. It does not directly change the encoded amino acid sequence of the HPS1 protein. It affects a nucleotide within the consensus splice site. In summary, the available evidence is currently insufficient to determine the role of this variant in disease. Therefore, it has been classified as a Variant of Uncertain Significance.

Literature cited by the submitters: PubMed 17576681; PubMed 9536098.

NM_000195.5(HPS1):c.1599-1C>G

Gene: HPS1 (HPS1 biogenesis of lysosomal organelles complex 3 subunit 1; minus strand). Cytogenetic location: 10q24.2.
Variant type: single nucleotide variant.
Coding change: c.1599-1C>G on transcript NM_000195.5 (MANE Select); the canonical splice acceptor site of the intron before coding-DNA position 1599, C replaced by G.
Molecular consequence: splice acceptor variant.
Genome position (GRCh38, 1-based): chr10:98,422,514, G>C on the plus strand (C>G on the coding strand, the complement: HPS1 is on the minus strand). VCF-style: chr10-98422514-G-C. GRCh37 (hg19) VCF-style: chr10-100182271-G-C.
Other names: c.1230-1C>G (NM_001322483.2, NM_001322484.2); c.1338-1C>G (NM_001322480.2, NM_001322481.2); c.1500-1C>G (NM_001322478.2, NM_001322479.2); c.1599-1C>G (NM_001322476.2, NM_001322477.2); c.1131-1C>G (NM_001322485.2); c.1239-1C>G (NM_001322482.2); c.627-1C>G (NM_001322489.2, NM_001311345.2, NM_001322487.2).
Identifiers: ClinVar variation 2881793 (VCV002881793.3), dbSNP rs2538792728, ClinGen allele CA378044457.